The following is an entry in ClinVar:

ClinVar aggregate classification (germline): Likely pathogenic (1 of 4 stars; one submission).

Conditions:
Coffin-Siris syndrome 6. Identifiers: MedGen C4540499, MONDO:0033492, OMIM 617808.

Submission:

3billion
Classification: Likely pathogenic for Coffin-Siris syndrome 6. Last evaluated: 2025-09-12. Review status: criteria provided, single submitter. Criteria: ACMG Guidelines, 2015. Collection method: clinical testing. Allele origin: germline. Affected: yes.
Comment: The variant is not observed in the gnomAD v4.1.0 dataset. Predicted Consequence/Location: Stop-gained (nonsense): predicted to result in a loss or disruption of normal protein function through nonsense-mediated decay (NMD) or protein truncation. Multiple pathogenic variants are reported downstream of the variant. Therefore, this variant is classified as Likely pathogenic according to the recommendation of ACMG/AMP guideline.

NM_152641.4(ARID2):c.2173C>T (p.Gln725Ter)

Gene: ARID2 (AT-rich interaction domain 2; plus strand). Cytogenetic location: 12q12.
Variant type: single nucleotide variant.
Coding change: c.2173C>T on transcript NM_152641.4 (MANE Select); coding-DNA position 2173, C replaced by T.
Protein change: p.Gln725Ter; replaces glutamine 725 with a stop codon.
Molecular consequence: nonsense.
Genome position (GRCh38, 1-based): chr12:45,850,296, C>T. VCF-style: chr12-45850296-C-T. GRCh37 (hg19) VCF-style: chr12-46244079-C-T.
Other names: c.2173C>T, p.Gln725Ter (NM_001347839.2); short protein forms Q725*.
Identifiers: ClinVar variation 4855431 (VCV004855431.1).